The following is an entry in ClinVar:

NM_000533.5(PLP1):c.458del (p.Val153fs)

Genes: PLP1 (proteolipid protein 1; plus strand), RAB9B (RAB9B, member RAS oncogene family; minus strand). Cytogenetic location: Xq22.2.
Variant type: Deletion.
Coding change: c.458del on transcript NM_000533.5 (MANE Select); coding-DNA position 458, one base deleted (T; older notation c.458delT).
Protein change: p.Val153fs; shifts the reading frame from valine 153.
Molecular consequence: frameshift variant.
Genome position (GRCh38, 1-based): chrX:103,787,802, T deleted. VCF-style (leftmost placement, unchanged base first): chrX-103787801-GT-G. GRCh37 (hg19) VCF-style: chrX-103042730-GT-G.
Other names: c.458del, p.Val153fs (NM_001128834.3); c.293del, p.Val98fs (NM_001305004.1); c.353del, p.Val118fs (NM_199478.3); c.458delT (NM_000533.5); short protein forms V118fs, V153fs, V98fs.
Identifiers: ClinVar variation 3255434 (VCV003255434.2), dbSNP rs2522314007.

ClinVar aggregate classification (germline): Likely pathogenic (1 of 4 stars; one submission).

Conditions:
Pelizaeus-Merzbacher disease. Also called: LEUKODYSTROPHY, HYPOMYELINATING, 1; Sudanophilic leukodystrophy; Pelizaeus-Merzbacher spectrum disorder; Pelizaeus-Merzbacher Disease (PMD); Pelizeaus-Merzbacher spectrum disorder. Identifiers: Orphanet 702, MedGen C0205711, MONDO:0010714, OMIM 312080, HP:0003269.

Submission:

Molecular Diagnostics Lab, Nemours Children's Health, Delaware
Classification: Likely pathogenic for Pelizaeus-Merzbacher disease. Last evaluated: 2021-12-14. Review status: criteria provided, single submitter. Criteria: ACMG Guidelines, 2015. Collection method: clinical testing. Allele origin: maternal, unknown. Inheritance: X-linked inheritance. Affected: yes and no. Observed: 1 heterozygote, 1 hemizygote.
Comment: This variant (c.458delT, p.Val153Glyfs*7) results in a frameshift to a premature termination. It has not been observed in population databases (gnomAD), nor is it described in the literature. No functional studies have been published.